The following is an entry in ClinVar:

NM_006231.4(POLE):c.3158C>T (p.Ser1053Phe)

Gene: POLE (DNA polymerase epsilon, catalytic subunit; minus strand). Cytogenetic location: 12q24.33.
Variant type: single nucleotide variant.
Coding change: c.3158C>T on transcript NM_006231.4 (MANE Select); coding-DNA position 3158, C replaced by T.
Protein change: p.Ser1053Phe; replaces serine 1053 with phenylalanine.
Molecular consequence: missense variant.
Genome position (GRCh38, 1-based): chr12:132,659,412, G>A on the plus strand (C>T on the coding strand, the complement: POLE is on the minus strand). VCF-style: chr12-132659412-G-A. GRCh37 (hg19) VCF-style: chr12-133235998-G-A.
Other names: short protein forms S1053F.
Identifiers: ClinVar variation 1011810 (VCV001011810.9), dbSNP rs1359871633, ClinGen allele CA387390891.

ClinVar aggregate classification (germline): Uncertain significance (1 of 4 stars; one submission).

Allele frequency attached by ClinVar (database versions not stated): gnomAD exomes below 0.00001.
gnomAD v4.1: 1 of 1,614,200 alleles (0.000062%); highest among the groups gnomAD compares: Admixed American, 0.0017%; no homozygotes.

Submission:

Labcorp Genetics (formerly Invitae), Labcorp
Classification: Uncertain significance. Last evaluated: 2020-02-26. Review status: criteria provided, single submitter. Criteria: Invitae Variant Classification Sherloc (09022015). Collection method: clinical testing. Allele origin: germline.
Comment: In summary, the available evidence is currently insufficient to determine the role of this variant in disease. Therefore, it has been classified as a Variant of Uncertain Significance. This sequence change replaces serine with phenylalanine at codon 1053 of the POLE protein (p.Ser1053Phe). The serine residue is highly conserved and there is a large physicochemical difference between serine and phenylalanine. This variant is not present in population databases (ExAC no frequency). This variant has not been reported in the literature in individuals with POLE-related conditions. Algorithms developed to predict the effect of missense changes on protein structure and function (SIFT, PolyPhen-2, Align-GVGD) all suggest that this variant is likely to be disruptive, but these predictions have not been confirmed by published functional studies and their clinical significance is uncertain.